The following is an entry in ClinVar:

NM_002180.3(IGHMBP2):c.2960G>A (p.Arg987Gln)

Gene: IGHMBP2 (immunoglobulin mu DNA binding protein 2; plus strand). Cytogenetic location: 11q13.3.
Variant type: single nucleotide variant.
Coding change: c.2960G>A on transcript NM_002180.3 (MANE Select); coding-DNA position 2960, G replaced by A.
Protein change: p.Arg987Gln; replaces arginine 987 with glutamine.
Molecular consequence: missense variant.
Genome position (GRCh38, 1-based): chr11:68,939,709, G>A. VCF-style: chr11-68939709-G-A. GRCh37 (hg19) VCF-style: chr11-68707177-G-A.
Other names: short protein forms R987Q.
Identifiers: ClinVar variation 694864 (VCV000694864.15), dbSNP rs199863781, ClinGen allele CA6154070.
Genomic context (GRCh38, chr11:68,939,709, plus strand): 5'-CCCAGCTGCAGAGGAGGCTGGATAAGAAGCTGAGTGAGCTCAGCAACCAGAGGACCAGCC[G>A]GAGGAAGGAGAGGGGGACGTGACCGGCCGCATCCTTGCACGCCCCGCGGAGCTCTCTCCA-3'
Protein context (NP_002171.2, residues 977-993): LSELSNQRTS[Arg987Gln]RKERGT

ClinVar aggregate classification (germline): Conflicting classifications of pathogenicity. Review status: criteria provided, conflicting classifications (1 of 4 stars). 5 submissions from 5 submitters: Uncertain significance (3); Likely benign (1). 1 of the submissions does not count toward it. Last evaluated 2026-01-01.

Conditions:
Neuronopathy, distal hereditary motor, autosomal dominant. Also called: Autosomal dominant distal hereditary motor neuropathy. Identifiers: Orphanet 140465, MedGen C5548212, MONDO:0015362.
Charcot-Marie-Tooth disease axonal type 2S. Also called: CHARCOT-MARIE-TOOTH DISEASE, AXONAL, AUTOSOMAL RECESSIVE, TYPE 2S; CHARCOT-MARIE-TOOTH NEUROPATHY, TYPE 2S. Identifiers: Orphanet 443073, MedGen C4015349, MONDO:0014511, OMIM 616155.
Autosomal recessive distal spinal muscular atrophy 1. Also called: Spinal muscular atrophy with respiratory distress 1; HMN VI; NEURONOPATHY, SEVERE INFANTILE AXONAL, WITH RESPIRATORY FAILURE; SEVERE INFANTILE AXONAL NEUROPATHY WITH RESPIRATORY FAILURE; SPINAL MUSCULAR ATROPHY, DIAPHRAGMATIC; NEURONOPATHY, DISTAL HEREDITARY MOTOR, HARDING TYPE VI. Identifiers: Orphanet 98920, MedGen C1858517, MONDO:0011436, OMIM 604320.
Inborn genetic diseases. Identifiers: MedGen C0950123, MeSH D030342.

Allele frequency attached by ClinVar (database versions not stated): gnomAD exomes 0.00005 and 0.00007; TOPMed 0.00005; ExAC 0.00008; ESP Exome Variant Server 0.00008; gnomAD 0.00009; 1000 Genomes Project 0.00020; 1000 Genomes Project 30x 0.00031.
gnomAD v4.1: 86 of 1,611,146 alleles (0.0053%); highest among the groups gnomAD compares: East Asian, 0.038%; no homozygotes.

Submissions (5):

CeGaT Center for Human Genetics Tuebingen
Classification: Uncertain significance. Last evaluated: 2026-01-01. Review status: criteria provided, single submitter. Criteria: CeGaT Center For Human Genetics Tuebingen Variant Classification Criteria Version 2. Collection method: clinical testing. Allele origin: germline. Affected: yes. Observed: 1 variant allele.
Comment: IGHMBP2: PM2, BP4

Labcorp Genetics (formerly Invitae), Labcorp
Classification: Likely benign for Autosomal recessive distal spinal muscular atrophy 1; Charcot-Marie-Tooth disease axonal type 2S. Last evaluated: 2025-12-01. Review status: criteria provided, single submitter. Criteria: Invitae Variant Classification Sherloc (09022015). Collection method: clinical testing. Allele origin: germline.

Ambry Genetics
Classification: Uncertain significance for Inborn genetic diseases. Last evaluated: 2025-09-25. Review status: criteria provided, single submitter. Criteria: Ambry Variant Classification Scheme 2023. Collection method: clinical testing. Allele origin: germline.

Women's Health and Genetics/Laboratory Corporation of America, LabCorp
Classification: Uncertain significance. Last evaluated: 2024-08-13. Review status: criteria provided, single submitter. Criteria: LabCorp Variant Classification Summary - May 2015. Collection method: clinical testing. Allele origin: germline.
Comment: Variant summary: IGHMBP2 c.2960G>A (p.Arg987Gln) results in a conservative amino acid change in the encoded protein sequence. Four of five in-silico tools predict a benign effect of the variant on protein function. The variant allele was found at a frequency of 6.6e-05 in 242258 control chromosomes. This frequency is not significantly higher than estimated for a pathogenic variant in IGHMBP2 causing Charcot-Marie-Tooth Disease, Axonal, Type 2S, allowing no conclusion about variant significance. c.2960G>A has been reported in the literature in a compound heterozygous individuals affected with Charcot-Marie-Tooth Disease, Axonal, Type 2S with an unknown second allele variant (Yu_2017). These report(s) do not provide unequivocal conclusions about association of the variant with Charcot-Marie-Tooth Disease, Axonal, Type 2S. To our knowledge, no experimental evidence demonstrating an impact on protein function has been reported. The following publication have been ascertained in the context of this evaluation (PMID: 28403181). ClinVar contains an entry for this variant (Variation ID: 694864). Based on the evidence outlined above, the variant was classified as uncertain significance.

Genesis Genome Database
Classification: Uncertain significance for Neuronopathy, distal hereditary motor, autosomal dominant. Last evaluated: 2019-08-14. Review status: no assertion criteria provided. Collection method: research. Allele origin: germline. Affected: yes. Not counted in ClinVar's aggregate classification.

Literature cited by the submitters: PubMed 28403181 (cited by Women's Health and Genetics/Laboratory Corporation of America, LabCorp).